The following is an entry in ClinVar:

NM_033395.2(CEP295):c.1565A>G (p.Gln522Arg)

Gene: CEP295 (centrosomal protein 295; plus strand). Cytogenetic location: 11q21.
Variant type: single nucleotide variant.
Coding change: c.1565A>G on transcript NM_033395.2 (MANE Select); coding-DNA position 1565, A replaced by G.
Protein change: p.Gln522Arg; replaces glutamine 522 with arginine.
Molecular consequence: missense variant.
Genome position (GRCh38, 1-based): chr11:93,695,528, A>G. VCF-style: chr11-93695528-A-G. GRCh37 (hg19) VCF-style: chr11-93428694-A-G.
Other names: short protein forms Q522R.
Identifiers: ClinVar variation 4839479 (VCV004839479.1).

ClinVar aggregate classification (germline): Uncertain significance (1 of 4 stars; one submission).

gnomAD v4.1: 2 of 1,468,944 alleles (0.00014%); highest among the groups gnomAD compares: South Asian, 0.0029%; no homozygotes.

Submission:

Ambry Genetics
Classification: Uncertain significance. Last evaluated: 2026-01-21. Review status: criteria provided, single submitter. Criteria: Ambry Variant Classification Scheme 2023. Collection method: clinical testing. Allele origin: germline.
Comment: The c.1565A>G (p.Q522R) alteration is located in exon 13 (coding exon 12) of the CEP295 gene. This alteration results from a A to G substitution at nucleotide position 1565, causing the glutamine (Q) at amino acid position 522 to be replaced by an arginine (R). Based on data from gnomAD, the G allele has an overall frequency of 0.001% (1/84412) total alleles studied. The highest observed frequency was 0.008% (1/12172) of South Asian alleles. Based on insufficient or conflicting evidence, the clinical significance of this alteration remains unclear.